The following is an entry in ClinVar:

ClinVar aggregate classification (germline): Uncertain significance. Review status: criteria provided, multiple submitters, no conflicts (2 of 4 stars). 2 submissions from 2 submitters: Uncertain significance (2). Last evaluated 2022-06-02.

Allele frequency attached by ClinVar (database versions not stated): gnomAD exomes below 0.00001; gnomAD 0.00001; TOPMed 0.00002.
gnomAD v4.1: 9 of 1,348,032 alleles (0.00067%); highest among the groups gnomAD compares: Admixed American, 0.0032%; no homozygotes.

Submissions (2):

Labcorp Genetics (formerly Invitae), Labcorp
Classification: Uncertain significance. Last evaluated: 2022-06-02. Review status: criteria provided, single submitter. Criteria: Invitae Variant Classification Sherloc (09022015). Collection method: clinical testing. Allele origin: germline.
Comment: This sequence change replaces arginine, which is basic and polar, with glycine, which is neutral and non-polar, at codon 2 of the MTFMT protein (p.Arg2Gly). This variant is not present in population databases (gnomAD no frequency). This variant has not been reported in the literature in individuals affected with MTFMT-related conditions. Algorithms developed to predict the effect of missense changes on protein structure and function (SIFT, PolyPhen-2, Align-GVGD) all suggest that this variant is likely to be tolerated. In summary, the available evidence is currently insufficient to determine the role of this variant in disease. Therefore, it has been classified as a Variant of Uncertain Significance.

Mendelics
Classification: Uncertain significance. Last evaluated: 2022-05-04. Review status: criteria provided, single submitter. Criteria: Mendelics Assertion Criteria 2019. Collection method: clinical testing. Allele origin: germline.

NM_139242.4(MTFMT):c.4A>G (p.Arg2Gly)

Genes: MTFMT (mitochondrial methionyl-tRNA formyltransferase; minus strand), LOC130057309 (ATAC-STARR-seq lymphoblastoid silent region 6550; plus strand). Cytogenetic location: 15q22.31.
Variant type: single nucleotide variant.
Coding change: c.4A>G on transcript NM_139242.4 (MANE Select); coding-DNA position 4, A replaced by G.
Protein change: p.Arg2Gly; replaces arginine 2 with glycine.
Molecular consequence: missense variant.
Genome position (GRCh38, 1-based): chr15:65,029,610, T>C on the plus strand (A>G on the coding strand, the complement: MTFMT is on the minus strand). VCF-style: chr15-65029610-T-C. GRCh37 (hg19) VCF-style: chr15-65321948-T-C.
Other names: short protein forms R2G.
Identifiers: ClinVar variation 1684927 (VCV001684927.5), dbSNP rs991786040, ClinGen allele CA271504927.